The following is an entry in ClinVar:

NM_002569.4(FURIN):c.2016G>A (p.Glu672=)

Gene: FURIN (furin, paired basic amino acid cleaving enzyme; plus strand). Cytogenetic location: 15q26.1.
Variant type: single nucleotide variant.
Coding change: c.2016G>A on transcript NM_002569.4 (MANE Select); coding-DNA position 2016, G replaced by A.
Protein change: p.Glu672=; no amino-acid change (glutamic acid 672 retained).
Molecular consequence: synonymous variant. On other transcripts: 3 prime UTR variant (1), non-coding transcript variant (1).
Genome position (GRCh38, 1-based): chr15:90,881,509, G>A. VCF-style: chr15-90881509-G-A. GRCh37 (hg19) VCF-style: chr15-91424739-G-A.
Other names: c.2016G>A, p.Glu672= (NM_001289823.2, NM_001289824.2, NM_001382619.1 and 2 more transcripts); c.*47G>A (NM_001382622.1).
Identifiers: ClinVar variation 2645712 (VCV002645712.24), dbSNP rs143587814, ClinGen allele CA274741831.

ClinVar aggregate classification (germline): Likely benign (1 of 4 stars; one submission).

Allele frequency attached by ClinVar (database versions not stated): gnomAD 0.00001; gnomAD exomes 0.00001; TOPMed 0.00001; ESP Exome Variant Server 0.00008.
gnomAD v4.1: 19 of 1,611,786 alleles (0.0012%); highest among the groups gnomAD compares: Non-Finnish European, 0.0016%; no homozygotes.

Submission:

CeGaT Center for Human Genetics Tuebingen
Classification: Likely benign. Last evaluated: 2022-06-01. Review status: criteria provided, single submitter. Criteria: CeGaT Center For Human Genetics Tuebingen Variant Classification Criteria Version 2. Collection method: clinical testing. Allele origin: germline. Affected: yes. Observed: 1 variant allele.
Comment: FURIN: BP4, BP7